The following is an entry in ClinVar:

ClinVar aggregate classification (germline): Benign/Likely benign. Review status: criteria provided, multiple submitters, no conflicts (2 of 4 stars). 9 submissions from 8 submitters: Benign (5); Likely benign (2). 2 of the submissions do not count toward it. Last evaluated 2026-02-01.

Conditions:
Neuronopathy, distal hereditary motor, type 7B. Also called: NEURONOPATHY, DISTAL HEREDITARY MOTOR, AUTOSOMAL DOMINANT 14; NEURONOPATHY, DISTAL HEREDITARY MOTOR, HARDING TYPE VIIB; NEUROPATHY, DISTAL HEREDITARY MOTOR, HARDING TYPE VIIB; NEUROPATHY, DISTAL HEREDITARY MOTOR, WITH VOCAL CORD PARALYSIS, HARDING TYPE VIIB; Distal Hereditary Motor Neuronopathy Type 7B (dHMN7B); HMN VIIB. Identifiers: Orphanet 139589, MedGen C1843315, MONDO:0011879, OMIM 607641.
Perry syndrome. Also called: PARKINSONISM WITH ALVEOLAR HYPOVENTILATION AND MENTAL DEPRESSION. Identifiers: Orphanet 178509, MedGen C1868594, MONDO:0008201, OMIM 168605.
Amyotrophic lateral sclerosis type 1 (ALS1). Also called: AMYOTROPHIC LATERAL SCLEROSIS 1, FAMILIAL. Identifiers: Orphanet 803, MedGen C1862939, MONDO:0007103, OMIM 105400.

Allele frequency attached by ClinVar (database versions not stated): 1000 Genomes Project 0.01258; 1000 Genomes Project 30x 0.01343; ExAC 0.00324; ESP Exome Variant Server 0.01038; gnomAD 0.01129 and 0.01216; TOPMed 0.01238.

Submissions (9):

Labcorp Genetics (formerly Invitae), Labcorp
Classification: Benign for Amyotrophic lateral sclerosis type 1; Neuronopathy, distal hereditary motor, type 7B; Perry syndrome. Last evaluated: 2026-02-01. Review status: criteria provided, single submitter. Criteria: Invitae Variant Classification Sherloc (09022015). Collection method: clinical testing. Allele origin: germline.

Fulgent Genetics
Classification: Benign for Amyotrophic lateral sclerosis type 1; Perry syndrome; Neuronopathy, distal hereditary motor, type 7B. Last evaluated: 2021-09-09. Review status: criteria provided, single submitter. Criteria: ACMG Guidelines, 2015. Collection method: clinical testing. Allele origin: unknown.

GeneDx
Classification: Likely benign. Last evaluated: 2021-08-28. Review status: criteria provided, single submitter. Criteria: GeneDx Variant Classification Process June 2021. Collection method: clinical testing. Allele origin: germline. Affected: yes.

Illumina Laboratory Services, Illumina
Classification: Benign for Neuronopathy, distal hereditary motor, type 7B. Last evaluated: 2018-01-12. Review status: criteria provided, single submitter. Criteria: ICSL Variant Classification Criteria 13 December 2019. Collection method: clinical testing. Allele origin: germline.
Comment: This variant was observed in the ICSL laboratory as part of a predisposition screen in an ostensibly healthy population. It had not been previously curated by ICSL or reported in the Human Gene Mutation Database (HGMD: prior to June 1st, 2018), and was therefore a candidate for classification through an automated scoring system. Utilizing variant allele frequency, disease prevalence and penetrance estimates, and inheritance mode, an automated score was calculated to assess if this variant is too frequent to cause the disease. Based on the score and internal cut-off values, a variant classified as benign is not then subjected to further curation. The score for this variant resulted in a classification of benign for this disease.

Illumina Laboratory Services, Illumina
Classification: Benign for Perry syndrome. Last evaluated: 2018-01-12. Review status: criteria provided, single submitter. Criteria: ICSL Variant Classification Criteria 13 December 2019. Collection method: clinical testing. Allele origin: germline.
Comment: the same text as in the submission from Illumina Laboratory Services, Illumina above.

Breakthrough Genomics
Classification: Likely benign. Review status: criteria provided, single submitter. Criteria: ACMG Guidelines, 2015. Collection method: not provided. Allele origin: germline. Inheritance: Autosomal recessive inheritance. Affected: yes.

PreventionGenetics, part of Exact Sciences
Classification: Benign. Review status: criteria provided, single submitter. Criteria: ACMG Guidelines, 2015. Collection method: clinical testing. Allele origin: germline.

Clinical Genetics, Academic Medical Center
Classification: Benign. Review status: no assertion criteria provided. Collection method: clinical testing. Allele origin: germline. Affected: yes. Study: VKGL Data-share Consensus. Not counted in ClinVar's aggregate classification.

Genome Diagnostics Laboratory, University Medical Center Utrecht
Classification: Benign. Review status: no assertion criteria provided. Collection method: clinical testing. Allele origin: germline. Affected: yes. Study: VKGL Data-share Consensus. Not counted in ClinVar's aggregate classification.

NM_004082.5(DCTN1):c.34-11G>T

Gene: DCTN1 (dynactin subunit 1; minus strand). Cytogenetic location: 2p13.1.
Variant type: single nucleotide variant.
Coding change: c.34-11G>T on transcript NM_004082.5 (MANE Select); 11 bases into the intron before coding-DNA position 34, G replaced by T.
Molecular consequence: intron variant.
Genome position (GRCh38, 1-based): chr2:74,378,256, C>A on the plus strand (G>T on the coding strand, the complement: DCTN1 is on the minus strand). VCF-style: chr2-74378256-C-A. GRCh37 (hg19) VCF-style: chr2-74605383-C-A.
Other names: c.-18-11G>T (NM_001190836.2, NM_001378992.1, NM_001378991.1); c.34-11G>T (NM_001135040.3, NM_001190837.2).
Identifiers: ClinVar variation 259238 (VCV000259238.23), dbSNP rs73948789, ClinGen allele CA1722621.
Genomic context (GRCh38, chr2:74,378,256, plus strand): 5'-CGCAGAGGCCGGGCGCTTGCCTCCGCACTCATCCTGCTGCCGCTGGGCGTCTGAAAGACA[C>A]AGGTAAACACAGACAGTTAGAGGCCTCAGATCAAAGGTGGCATTCTTATGTATAAGAAAT-3'